The following is an entry in ClinVar:

NM_000493.4(COL10A1):c.1474C>T (p.Pro492Ser)

Genes: COL10A1 (collagen type X alpha 1 chain; minus strand), NT5DC1 (5'-nucleotidase domain containing 1; plus strand). Cytogenetic location: 6q22.1.
Variant type: single nucleotide variant.
Coding change: c.1474C>T on transcript NM_000493.4 (MANE Select); coding-DNA position 1474, C replaced by T.
Protein change: p.Pro492Ser; replaces proline 492 with serine.
Molecular consequence: missense variant. On other transcripts: intron variant (1).
Genome position (GRCh38, 1-based): chr6:116,120,642, G>A on the plus strand (C>T on the coding strand, the complement: COL10A1 is on the minus strand). VCF-style: chr6-116120642-G-A. GRCh37 (hg19) VCF-style: chr6-116441805-G-A.
Other names: c.1474C>T, p.Pro492Ser (NM_001424106.1, NM_001424107.1); c.529+2697G>A (NM_152729.3); short protein forms P492S.
Identifiers: ClinVar variation 2799890 (VCV002799890.3), dbSNP rs769587032, ClinGen allele CA365387949.

ClinVar aggregate classification (germline): Uncertain significance (1 of 4 stars; one submission).

gnomAD v4.1: 3 of 1,548,300 alleles (0.00019%); highest among the groups gnomAD compares: Non-Finnish European, 0.00026%; no homozygotes.

Submission:

Labcorp Genetics (formerly Invitae), Labcorp
Classification: Uncertain significance. Last evaluated: 2023-10-25. Review status: criteria provided, single submitter. Criteria: Invitae Variant Classification Sherloc (09022015). Collection method: clinical testing. Allele origin: germline.
Comment: This sequence change replaces proline, which is neutral and non-polar, with serine, which is neutral and polar, at codon 492 of the COL10A1 protein (p.Pro492Ser). This variant is not present in population databases (gnomAD no frequency). This variant has not been reported in the literature in individuals affected with COL10A1-related conditions. Advanced modeling of protein sequence and biophysical properties (such as structural, functional, and spatial information, amino acid conservation, physicochemical variation, residue mobility, and thermodynamic stability) has been performed at Invitae for this missense variant, however the output from this modeling did not meet the statistical confidence thresholds required to predict the impact of this variant on COL10A1 protein function. In summary, the available evidence is currently insufficient to determine the role of this variant in disease. Therefore, it has been classified as a Variant of Uncertain Significance.